The following is an entry in ClinVar:

NM_000059.4(BRCA2):c.9256+8A>G

Gene: BRCA2 (BRCA2 DNA repair associated; plus strand). Cytogenetic location: 13q13.1.
Variant type: single nucleotide variant.
Coding change: c.9256+8A>G on transcript NM_000059.4 (MANE Select); 8 bases into the intron after coding-DNA position 9256, A replaced by G.
Molecular consequence: intron variant.
Genome position (GRCh38, 1-based): chr13:32,380,153, A>G. VCF-style: chr13-32380153-A-G. GRCh37 (hg19) VCF-style: chr13-32954290-A-G.
Identifiers: ClinVar variation 928769 (VCV000928769.11), dbSNP rs1312250808, ClinGen allele CA609092940.

ClinVar aggregate classification (germline): Likely benign. Review status: criteria provided, multiple submitters, no conflicts (2 of 4 stars). 2 submissions from 2 submitters: Likely benign (2). Last evaluated 2025-07-02.

Conditions:
Hereditary breast ovarian cancer syndrome. Also called: Hereditary breast and ovarian cancer syndrome; Hereditary breast and ovarian cancer syndrome (HBOC); Hereditary breast and/or ovarian cancer syndrome; Hereditary breast and ovarian cancer; Breast and ovarian cancer; BRCA1- and BRCA2-Associated Hereditary Breast and Ovarian Cancer. Identifiers: Orphanet 145, MedGen C0677776, MeSH D061325, MONDO:0003582. Disease mechanism: loss of function.

Allele frequency attached by ClinVar (database versions not stated): gnomAD exomes below 0.00001.
gnomAD v4.1: 1 of 1,602,586 alleles (0.000062%); highest among the groups gnomAD compares: South Asian, 0.0011%; no homozygotes.

Submissions (2):

Labcorp Genetics (formerly Invitae), Labcorp
Classification: Likely benign for Hereditary breast ovarian cancer syndrome. Last evaluated: 2025-07-02. Review status: criteria provided, single submitter. Criteria: Invitae Variant Classification Sherloc (09022015). Collection method: clinical testing. Allele origin: germline.

Women's Health and Genetics/Laboratory Corporation of America, LabCorp
Classification: Likely benign. Last evaluated: 2025-04-16. Review status: criteria provided, single submitter. Criteria: LabCorp Variant Classification Summary - May 2015. Collection method: clinical testing. Allele origin: germline.
Comment: Variant summary: BRCA2 c.9256+8A>G alters a non-conserved nucleotide located at a position not widely known to affect splicing. Consensus agreement among computation tools predict no significant impact on normal splicing. However, these predictions have yet to be confirmed by functional studies. The variant allele was found at a frequency of 4.1e-06 in 244340 control chromosomes. The available data on variant occurrences in the general population are insufficient to allow any conclusion about variant significance. To our knowledge, no occurrence of c.9256+8A>G in individuals affected with Hereditary Breast And Ovarian Cancer Syndrome and no experimental evidence demonstrating its impact on protein function have been reported. ClinVar contains an entry for this variant (Variation ID: 928769). Based on the evidence outlined above, the variant was classified as likely benign.